The following is an entry in ClinVar:

ClinVar aggregate classification (germline): Pathogenic (1 of 4 stars; one submission).

Submission:

Labcorp Genetics (formerly Invitae), Labcorp
Classification: Pathogenic. Last evaluated: 2022-12-05. Review status: criteria provided, single submitter. Criteria: Invitae Variant Classification Sherloc (09022015). Collection method: clinical testing. Allele origin: germline.
Comment: For these reasons, this variant has been classified as Pathogenic. This variant disrupts a region of the COL4A3 protein in which other variant(s) (p.Cys1665Tyr) have been determined to be pathogenic (PMID: 24052634; Invitae). This suggests that this is a clinically significant region of the protein, and that variants that disrupt it are likely to be disease-causing. Algorithms developed to predict the effect of sequence changes on RNA splicing suggest that this variant may disrupt the consensus splice site. This premature translational stop signal has been observed in individual(s) with autosomal recessive Alport syndrome (PMID: 26809805). This variant is not present in population databases (gnomAD no frequency). This sequence change creates a premature translational stop signal (p.Tyr1629*) in the COL4A3 gene. While this is not anticipated to result in nonsense mediated decay, it is expected to disrupt the last 42 amino acid(s) of the COL4A3 protein.

Literature cited by the submitters: PubMed 24052634; PubMed 26809805.

NM_000091.5(COL4A3):c.4887del (p.Ser1628_Tyr1629insTer)

Genes: COL4A3 (collagen type IV alpha 3 chain; plus strand), MFF-DT (MFF divergent transcript; minus strand). Cytogenetic location: 2q36.3.
Variant type: Deletion.
Coding change: c.4887del on transcript NM_000091.5 (MANE Select); coding-DNA position 4887, one base deleted (C; older notation c.4887delC).
Protein change: p.Ser1628_Tyr1629insTer.
Molecular consequence: nonsense.
Genome position (GRCh38, 1-based): chr2:227,310,907, C deleted. VCF-style (leftmost placement, unchanged base first): chr2-227310906-AC-A. GRCh37 (hg19) VCF-style: chr2-228175622-AC-A.
Identifiers: ClinVar variation 2818711 (VCV002818711.3), dbSNP rs2469946548, ClinGen allele CA2739280028.
Genomic context (GRCh38, chr2:227,310,906, plus strand): 5'-GAGCCAGCCCATTTCTAGAATGTCATGGAAGAGGAACGTGCAACTACTATTCAAATTCCT[AC>A]AGTTTCTGGCTGGCTTCATTAAACCCAGAAAGAATGTTCAGGTAACTATTCACCATCAAG-3'